The following is an entry in ClinVar:

ClinVar aggregate classification (germline): Likely benign (0 of 4 stars; one submission).

Conditions:
DMXL1-related disorder. Also called: DMXL1-related condition.

Allele frequency attached by ClinVar (database versions not stated): gnomAD 0.00003; gnomAD exomes 0.00005; TOPMed 0.00005; ExAC 0.00009.
gnomAD v4.1: 84 of 1,614,058 alleles (0.0052%); highest among the groups gnomAD compares: Middle Eastern, 0.033%; no homozygotes.

Submission:

PreventionGenetics, part of Exact Sciences
Classification: Likely benign for DMXL1-related condition. Last evaluated: 2019-07-23. Review status: no assertion criteria provided. Collection method: clinical testing. Allele origin: germline.
Comment: This variant is classified as likely benign based on ACMG/AMP sequence variant interpretation guidelines (Richards et al. 2015 PMID: 25741868, with internal and published modifications).

NM_001290321.3(DMXL1):c.7590T>C (p.Leu2530=)

Gene: DMXL1 (Dmx like 1; plus strand). Cytogenetic location: 5q23.1.
Variant type: single nucleotide variant.
Coding change: c.7590T>C on transcript NM_001290321.3 (MANE Select); coding-DNA position 7590, T replaced by C.
Protein change: p.Leu2530=; no amino-acid change (leucine 2530 retained).
Molecular consequence: synonymous variant. On other transcripts: non-coding transcript variant (3).
Genome position (GRCh38, 1-based): chr5:119,197,801, T>C. VCF-style: chr5-119197801-T-C. GRCh37 (hg19) VCF-style: chr5-118533496-T-C.
Other names: c.7590T>C, p.Leu2530= (NM_001349239.2, NM_001349240.2, NM_001387933.1 and 1 more transcripts); c.7398T>C, p.Leu2466= (NM_001387934.1); c.6885T>C, p.Leu2295= (NM_001387937.1); c.6603T>C, p.Leu2201= (NM_001387938.1).
Identifiers: ClinVar variation 3050780 (VCV003050780.2), dbSNP rs745307775, ClinGen allele CA3380932.